The following is an entry in ClinVar:

ClinVar aggregate classification (germline): Uncertain significance (1 of 4 stars; one submission).

gnomAD v4.1: 7 of 1,613,910 alleles (0.00043%); highest among the groups gnomAD compares: Non-Finnish European, 0.00059%; no homozygotes.

Submission:

Labcorp Genetics (formerly Invitae), Labcorp
Classification: Uncertain significance. Last evaluated: 2025-10-08. Review status: criteria provided, single submitter. Criteria: Invitae Variant Classification Sherloc (09022015). Collection method: clinical testing. Allele origin: germline.
Comment: This sequence change replaces tyrosine, which is neutral and polar, with phenylalanine, which is neutral and non-polar, at codon 2139 of the ABCA1 protein (p.Tyr2139Phe). This variant is present in population databases (no rsID available, gnomAD 0.0009%). This variant has not been reported in the literature in individuals affected with ABCA1-related conditions. Invitae Evidence Modeling of protein sequence and biophysical properties (such as structural, functional, and spatial information, amino acid conservation, physicochemical variation, residue mobility, and thermodynamic stability) indicates that this missense variant is not expected to disrupt ABCA1 protein function with a negative predictive value of 95%. In summary, the available evidence is currently insufficient to determine the role of this variant in disease. Therefore, it has been classified as a Variant of Uncertain Significance.

NM_005502.4(ABCA1):c.6416A>T (p.Tyr2139Phe)

Genes: NIPSNAP3B (nipsnap homolog 3B; plus strand), ABCA1 (ATP binding cassette subfamily A member 1; minus strand). Cytogenetic location: 9q31.1.
Variant type: single nucleotide variant.
Coding change: c.6416A>T on transcript NM_005502.4 (MANE Select); coding-DNA position 6416, A replaced by T.
Protein change: p.Tyr2139Phe; replaces tyrosine 2139 with phenylalanine.
Molecular consequence: missense variant.
Genome position (GRCh38, 1-based): chr9:104,785,625, T>A on the plus strand (A>T on the coding strand, the complement: ABCA1 is on the minus strand). VCF-style: chr9-104785625-T-A. GRCh37 (hg19) VCF-style: chr9-107547906-T-A.
Other names: short protein forms Y2139F.
Identifiers: ClinVar variation 4703661 (VCV004703661.1).